The following is an entry in ClinVar:

ClinVar aggregate classification (germline): Uncertain significance. Review status: criteria provided, multiple submitters, no conflicts (2 of 4 stars). 6 submissions from 6 submitters: Uncertain significance (5). 1 of the submissions does not count toward it. Last evaluated 2025-06-10.

Conditions:
Arthrogryposis multiplex congenita 6. Identifiers: MedGen C5543431, MONDO:0030281, OMIM 619334.
Nemaline myopathy 2 (NEM2). Also called: Nemaline myopathy 2, autosomal recessive. Identifiers: MedGen C1850569, MONDO:0009725, OMIM 256030.
Inborn genetic diseases. Identifiers: MedGen C0950123, MeSH D030342.

Allele frequency attached by ClinVar (database versions not stated): gnomAD 0.00001 and 0.00002; ExAC 0.00002; gnomAD exomes 0.00002; TOPMed 0.00002; ESP Exome Variant Server 0.00024.
gnomAD v4.1: 41 of 1,613,830 alleles (0.0025%); highest among the groups gnomAD compares: Non-Finnish European, 0.0033%; no homozygotes.

Submissions (6):

Ambry Genetics
Classification: Uncertain significance for Inborn genetic diseases. Last evaluated: 2025-06-10. Review status: criteria provided, single submitter. Criteria: Ambry Variant Classification Scheme 2023. Collection method: clinical testing. Allele origin: germline.

Blueprint Genetics
Classification: Uncertain significance. Last evaluated: 2024-11-18. Review status: criteria provided, single submitter. Criteria: ACMG Guidelines, 2015. Collection method: clinical testing. Allele origin: germline.

Revvity Omics, Revvity
Classification: Uncertain significance. Last evaluated: 2023-08-02. Review status: criteria provided, single submitter. Criteria: ACMG Guidelines, 2015. Collection method: clinical testing. Allele origin: germline.

Department of Pathology and Laboratory Medicine, Sinai Health System
Classification: Uncertain significance for Nemaline myopathy 2; Arthrogryposis multiplex congenita 6. Last evaluated: 2022-05-30. Review status: criteria provided, single submitter. Criteria: ACMG Guidelines, 2015. Collection method: research. Allele origin: germline.

Labcorp Genetics (formerly Invitae), Labcorp
Classification: Uncertain significance for Nemaline myopathy 2. Last evaluated: 2021-08-30. Review status: criteria provided, single submitter. Criteria: Invitae Variant Classification Sherloc (09022015). Collection method: clinical testing. Allele origin: germline.
Comment: This sequence change replaces serine with isoleucine at codon 2342 of the NEB protein (p.Ser2342Ile). The serine residue is moderately conserved and there is a large physicochemical difference between serine and isoleucine. This variant is present in population databases (rs372132667, ExAC 0.003%). This variant has not been reported in the literature in individuals affected with NEB-related conditions. Algorithms developed to predict the effect of missense changes on protein structure and function are either unavailable or do not agree on the potential impact of this missense change (SIFT: "Deleterious"; PolyPhen-2: "Not Available"; Align-GVGD: "Class C0"). In summary, the available evidence is currently insufficient to determine the role of this variant in disease. Therefore, it has been classified as a Variant of Uncertain Significance.

Natera, Inc.
Classification: Uncertain significance for Nemaline myopathy type 2. Last evaluated: 2019-11-11. Review status: no assertion criteria provided. Collection method: clinical testing. Allele origin: germline. Not counted in ClinVar's aggregate classification.

NM_001164508.2(NEB):c.7025G>T (p.Ser2342Ile)

Gene: NEB (nebulin; minus strand). Cytogenetic location: 2q23.3.
Variant type: single nucleotide variant.
Coding change: c.7025G>T on transcript NM_001164508.2 (MANE Select); coding-DNA position 7025, G replaced by T.
Protein change: p.Ser2342Ile; replaces serine 2342 with isoleucine.
Molecular consequence: missense variant.
Genome position (GRCh38, 1-based): chr2:151,650,776, C>A on the plus strand (G>T on the coding strand, the complement: NEB is on the minus strand). VCF-style: chr2-151650776-C-A. GRCh37 (hg19) VCF-style: chr2-152507290-C-A.
Other names: c.7025G>T, p.Ser2342Ile (NM_001164507.2, NM_001271208.2, NM_004543.5); c.7025G>T (NM_004543.4); short protein forms S2342I.
Identifiers: ClinVar variation 465629 (VCV000465629.13), dbSNP rs372132667, ClinGen allele CA1909941.
Genomic context (GRCh38, chr2:151,650,776, plus strand): 5'-TCCACTGGGCTGGAGAACTTAGTTTTCCACTTCTCAAAGTCCTTCTTGTATTCTCTTTCA[C>A]TCTGCATTTTGGCTACATTCATGGACAACACAAGTTTTGGGTCATCTTGCAGACTCCGGA-3'
Protein context (NP_001157980.2, residues 2332-2352): VLSMNVAKMQ[Ser2342Ile]EREYKKDFEK